The following is an entry in ClinVar:

ClinVar aggregate classification (germline): Uncertain significance. Review status: criteria provided, multiple submitters, no conflicts (2 of 4 stars). 8 submissions from 8 submitters: Uncertain significance (7). 1 of the submissions does not count toward it. Last evaluated 2025-01-20.

Conditions:
Familial adenomatous polyposis 1 (FAP1). Also called: POLYPOSIS, ADENOMATOUS INTESTINAL; FAMILIAL ADENOMATOUS POLYPOSIS 1, ATTENUATED. Identifiers: MedGen C2713442, MONDO:0021056, OMIM 175100. Disease mechanism: loss of function.
APC-related disorder. Also called: APC-related condition.
Classic or attenuated familial adenomatous polyposis. Identifiers: MedGen CN372698, MONDO:0021057.
Hereditary cancer-predisposing syndrome. Also called: Tumor predisposition; Hereditary Cancer Syndrome; Neoplastic Syndromes, Hereditary; Hereditary neoplastic syndrome. Identifiers: Orphanet 140162, MedGen C0027672, MeSH D009386, MONDO:0015356.

Allele frequency attached by ClinVar (database versions not stated): gnomAD exomes below 0.00001.
gnomAD v4.1: 1 of 1,613,818 alleles (0.000062%); highest among the groups gnomAD compares: Non-Finnish European, 0.000085%; no homozygotes.

Submissions (8):

Molecular Pathology, Peter Maccallum Cancer Centre
Classification: Uncertain significance for Familial adenomatous polyposis 1. Last evaluated: 2025-01-20. Review status: criteria provided, single submitter. Criteria: ACMG Guidelines, 2015. Collection method: clinical testing. Allele origin: germline. Inheritance: Autosomal dominant inheritance.

Blueprint Genetics
Classification: Uncertain significance. Last evaluated: 2024-07-29. Review status: criteria provided, single submitter. Criteria: ACMG Guidelines, 2015. Collection method: clinical testing. Allele origin: germline.

Color Diagnostics, LLC DBA Color Health
Classification: Uncertain significance for Hereditary cancer-predisposing syndrome. Last evaluated: 2024-03-06. Review status: criteria provided, single submitter. Criteria: ACMG Guidelines, 2015. Collection method: clinical testing. Allele origin: germline.
Comment: This missense variant replaces glutamic acid with aspartic acid at codon 2041 of the APC protein. Computational prediction is inconclusive regarding the impact of this variant on protein structure and function (internally defined REVEL score threshold 0.5 < inconclusive < 0.7, PMID: 27666373). To our knowledge, functional studies have not been reported for this variant. This variant has not been reported in individuals affected with APC-related disorders in the literature. This variant has not been identified in the general population by the Genome Aggregation Database (gnomAD). The available evidence is insufficient to determine the role of this variant in disease conclusively. Therefore, this variant is classified as a Variant of Uncertain Significance.

Labcorp Genetics (formerly Invitae), Labcorp
Classification: Uncertain significance for Familial adenomatous polyposis 1. Last evaluated: 2023-12-12. Review status: criteria provided, single submitter. Criteria: Invitae Variant Classification Sherloc (09022015). Collection method: clinical testing. Allele origin: germline.
Comment: This sequence change replaces glutamic acid, which is acidic and polar, with aspartic acid, which is acidic and polar, at codon 2041 of the APC protein (p.Glu2041Asp). This variant is not present in population databases (gnomAD no frequency). This variant has not been reported in the literature in individuals affected with APC-related conditions. ClinVar contains an entry for this variant (Variation ID: 489475). Advanced modeling of protein sequence and biophysical properties (such as structural, functional, and spatial information, amino acid conservation, physicochemical variation, residue mobility, and thermodynamic stability) performed at Invitae indicates that this missense variant is not expected to disrupt APC protein function with a negative predictive value of 95%. In summary, the available evidence is currently insufficient to determine the role of this variant in disease. Therefore, it has been classified as a Variant of Uncertain Significance.

Baylor Genetics
Classification: Uncertain significance for Familial adenomatous polyposis 1. Last evaluated: 2023-09-08. Review status: criteria provided, single submitter. Criteria: ACMG Guidelines, 2015. Collection method: clinical testing. Allele origin: unknown.

Ambry Genetics
Classification: Uncertain significance for Hereditary cancer-predisposing syndrome. Last evaluated: 2023-05-12. Review status: criteria provided, single submitter. Criteria: Ambry Variant Classification Scheme 2023. Collection method: clinical testing. Allele origin: germline.
Comment: The p.E2041D variant (also known as c.6123A>C), located in coding exon 15 of the APC gene, results from an A to C substitution at nucleotide position 6123. The glutamic acid at codon 2041 is replaced by aspartic acid, an amino acid with highly similar properties. This amino acid position is highly conserved in available vertebrate species. In addition, in silico predictors for this gene do not accurately predict pathogenicity. Since supporting evidence is limited at this time, the clinical significance of this alteration remains unclear.

All of Us Research Program, National Institutes of Health
Classification: Uncertain significance for Classic or attenuated familial adenomatous polyposis. Last evaluated: 2023-03-04. Review status: criteria provided, single submitter. Criteria: ACMG Guidelines, 2015. Collection method: clinical testing. Allele origin: germline. Inheritance: Autosomal dominant inheritance. Observed: 1 variant allele, 1 heterozygote.
Comment: This study involves interpretation of variants in research participants for the purpose of population health screening. Participant phenotype was not available at the time of variant classification. Additional details can be found in publication PMID: 35346344, PMCID: PMC8962531

PreventionGenetics, part of Exact Sciences
Classification: Uncertain significance for APC-related condition. Last evaluated: 2023-11-22. Review status: no assertion criteria provided. Collection method: clinical testing. Allele origin: germline. Not counted in ClinVar's aggregate classification.
Comment: The APC c.6123A>C variant is predicted to result in the amino acid substitution p.Glu2041Asp. To our knowledge, this variant has not been reported in the literature or in a large population database, indicating this variant is rare. It is interpreted as uncertain significance in ClinVar. At this time, the clinical significance of this variant is uncertain due to the absence of conclusive functional and genetic evidence.

NM_000038.6(APC):c.6123A>C (p.Glu2041Asp)

Gene: APC (APC regulator of Wnt signaling pathway; plus strand). Cytogenetic location: 5q22.2.
Variant type: single nucleotide variant.
Coding change: c.6123A>C on transcript NM_000038.6 (MANE Select); coding-DNA position 6123, A replaced by C.
Protein change: p.Glu2041Asp; replaces glutamic acid 2041 with aspartic acid.
Molecular consequence: missense variant.
Genome position (GRCh38, 1-based): chr5:112,841,717, A>C. VCF-style: chr5-112841717-A-C. GRCh37 (hg19) VCF-style: chr5-112177414-A-C.
Other names: c.6123A>C, p.Glu2041Asp (NM_001127510.3, NM_001354895.2); c.6069A>C, p.Glu2023Asp (NM_001127511.3); c.6177A>C, p.Glu2059Asp (NM_001354896.2); c.6153A>C, p.Glu2051Asp (NM_001354897.2); c.6048A>C, p.Glu2016Asp (NM_001354898.2); c.6039A>C, p.Glu2013Asp (NM_001354899.2); c.6000A>C, p.Glu2000Asp (NM_001354900.2); c.5946A>C, p.Glu1982Asp (NM_001354901.2); and 5 more; short protein forms E2023D, E2041D, E1758D, E2013D, E2016D, E2051D, E1915D, E1982D.
Identifiers: ClinVar variation 489475 (VCV000489475.23), dbSNP rs1554087227, ClinGen allele CA16034736.